The following is an entry in ClinVar:

ClinVar aggregate classification (germline): Uncertain significance. Review status: criteria provided, multiple submitters, no conflicts (2 of 4 stars). 2 submissions from 2 submitters: Uncertain significance (2). Last evaluated 2024-11-21.

Conditions:
Charcot-Marie-Tooth disease axonal type 2O. Also called: Charcot-Marie-Tooth disease, axonal, type 20; CHARCOT-MARIE-TOOTH NEUROPATHY, AXONAL, TYPE 2O; CHARCOT-MARIE-TOOTH DISEASE, AXONAL, AUTOSOMAL DOMINANT, TYPE 2O; Charcot-Marie-Tooth Neuropathy Type 2O. Identifiers: Orphanet 284232, MedGen C3280220, MONDO:0013644, OMIM 614228.

Submissions (2):

Labcorp Genetics (formerly Invitae), Labcorp
Classification: Uncertain significance for Charcot-Marie-Tooth disease axonal type 2O. Last evaluated: 2024-11-21. Review status: criteria provided, single submitter. Criteria: Invitae Variant Classification Sherloc (09022015). Collection method: clinical testing. Allele origin: germline.
Comment: This sequence change replaces aspartic acid, which is acidic and polar, with histidine, which is basic and polar, at codon 71 of the DYNC1H1 protein (p.Asp71His). This variant is not present in population databases (gnomAD no frequency). This variant has not been reported in the literature in individuals affected with DYNC1H1-related conditions. ClinVar contains an entry for this variant (Variation ID: 1803628). Invitae Evidence Modeling of protein sequence and biophysical properties (such as structural, functional, and spatial information, amino acid conservation, physicochemical variation, residue mobility, and thermodynamic stability) indicates that this missense variant is expected to disrupt DYNC1H1 protein function with a positive predictive value of 95%. In summary, the available evidence is currently insufficient to determine the role of this variant in disease. Therefore, it has been classified as a Variant of Uncertain Significance.

GeneDx
Classification: Uncertain significance. Last evaluated: 2022-06-09. Review status: criteria provided, single submitter. Criteria: GeneDx Variant Classification Process June 2021. Collection method: clinical testing. Allele origin: germline. Affected: yes.
Comment: Not observed at significant frequency in large population cohorts (gnomAD); In silico analysis supports that this missense variant has a deleterious effect on protein structure/function; Has not been previously published as pathogenic or benign to our knowledge; This variant is associated with the following publications: (PMID: 26100331, 25609763, 25512093)

NM_001376.5(DYNC1H1):c.211G>C (p.Asp71His)

Gene: DYNC1H1 (dynein cytoplasmic 1 heavy chain 1; plus strand). Cytogenetic location: 14q32.31.
Variant type: single nucleotide variant.
Coding change: c.211G>C on transcript NM_001376.5 (MANE Select); coding-DNA position 211, G replaced by C.
Protein change: p.Asp71His; replaces aspartic acid 71 with histidine.
Molecular consequence: missense variant.
Genome position (GRCh38, 1-based): chr14:101,964,902, G>C. VCF-style: chr14-101964902-G-C. GRCh37 (hg19) VCF-style: chr14-102431239-G-C.
Other names: short protein forms D71H.
Identifiers: ClinVar variation 1803628 (VCV001803628.3), dbSNP rs2503644555, ClinGen allele CA391003719.